The following is an entry in ClinVar:

ClinVar aggregate classification (germline): Uncertain significance (1 of 4 stars; one submission).

gnomAD v4.1: 4 of 1,209,878 alleles (0.00033%); highest among the groups gnomAD compares: African/African-American, 0.0052%; no homozygotes.

Submission:

GeneDx
Classification: Uncertain significance. Last evaluated: 2026-08-12. Review status: criteria provided, single submitter. Criteria: GeneDx Variant Classification Process June 2021. Collection method: clinical testing. Allele origin: germline.
Comment: Not observed at significant frequency in large population cohorts (gnomAD); In silico analysis supports that this missense variant has a deleterious effect on protein structure/function; Has not been previously published as pathogenic or benign to our knowledge

NM_201599.3(ZMYM3):c.1300G>A (p.Asp434Asn)

Gene: ZMYM3 (zinc finger MYM-type containing 3; minus strand). Cytogenetic location: Xq13.1.
Variant type: single nucleotide variant.
Coding change: c.1300G>A on transcript NM_201599.3 (MANE Select); coding-DNA position 1300, G replaced by A.
Protein change: p.Asp434Asn; replaces aspartic acid 434 with asparagine.
Molecular consequence: missense variant.
Genome position (GRCh38, 1-based): chrX:71,249,631, C>T on the plus strand (G>A on the coding strand, the complement: ZMYM3 is on the minus strand). VCF-style: chrX-71249631-C-T. GRCh37 (hg19) VCF-style: chrX-70469481-C-T.
Other names: c.1300G>A, p.Asp434Asn (NM_001171162.1, NM_001171163.1, NM_005096.3); short protein forms D434N.
Identifiers: ClinVar variation 4686470 (VCV004686470.2).